The following is an entry in ClinVar:

ClinVar aggregate classification (germline): Pathogenic (1 of 4 stars; one submission).

Conditions:
Short-rib thoracic dysplasia 6 with or without polydactyly (SRTD6). Also called: Majewski Syndrome; SHORT-RIB THORACIC DYSPLASIA 6 WITH POLYDACTYLY; SHORT-RIB THORACIC DYSPLASIA 6 WITHOUT POLYDACTYLY; POLYDACTYLY WITH NEONATAL CHONDRODYSTROPHY, TYPE II; SHORT RIB-POLYDACTYLY SYNDROME, TYPE IIA. Identifiers: MedGen C0024507, MONDO:0009894, OMIM 263520.

Submission:

Labcorp Genetics (formerly Invitae), Labcorp
Classification: Pathogenic for Short-rib thoracic dysplasia 6 with or without polydactyly. Last evaluated: 2024-01-07. Review status: criteria provided, single submitter. Criteria: Invitae Variant Classification Sherloc (09022015). Collection method: clinical testing. Allele origin: germline.
Comment: This sequence change creates a premature translational stop signal (p.Arg400Glufs*2) in the NEK1 gene. It is expected to result in an absent or disrupted protein product. Loss-of-function variants in NEK1 are known to be pathogenic (PMID: 22499340, 29068549). This variant is not present in population databases (gnomAD no frequency). This variant has not been reported in the literature in individuals affected with NEK1-related conditions. For these reasons, this variant has been classified as Pathogenic.

Literature cited by the submitters: PubMed 22499340; PubMed 29068549.

NM_001199397.3(NEK1):c.1198del (p.Arg400fs)

Gene: NEK1 (NIMA related kinase 1; minus strand). Cytogenetic location: 4q33.
Variant type: Deletion.
Coding change: c.1198del on transcript NM_001199397.3 (MANE Select); coding-DNA position 1198, one base deleted (A; older notation c.1198delA).
Protein change: p.Arg400fs; shifts the reading frame from arginine 400.
Molecular consequence: frameshift variant. On other transcripts: non-coding transcript variant (2), intron variant (2).
Genome position (GRCh38, 1-based): chr4:169,561,548, T deleted on the plus strand (A on the coding strand, the reverse complement: NEK1 is on the minus strand); the first of 3 consecutive T bases (chr4:169,561,548-169,561,550); deleting any one gives the same sequence. VCF-style (leftmost placement, unchanged base first): chr4-169561547-CT-C. GRCh37 (hg19) VCF-style: chr4-170482698-CT-C.
Other names: c.1198del, p.Arg400fs (NM_001199398.3, NM_001199400.3, NM_001374418.1 and 4 more transcripts); c.1147del, p.Arg383fs (NM_001374420.1); c.1140+284del (NM_001374421.1); c.1191+139del (NM_001199399.3); short protein forms R383fs, R400fs.
Identifiers: ClinVar variation 2708080 (VCV002708080.3), dbSNP rs2546789977, ClinGen allele CA2697546985.